The following is an entry in ClinVar:

ClinVar aggregate classification (germline): Uncertain significance. Review status: criteria provided, multiple submitters, no conflicts (2 of 4 stars). 2 submissions from 2 submitters: Uncertain significance (2). Last evaluated 2024-06-11.

Allele frequency attached by ClinVar (database versions not stated): TOPMed below 0.00001.

Submissions (2):

Ambry Genetics
Classification: Uncertain significance. Last evaluated: 2024-06-11. Review status: criteria provided, single submitter. Criteria: Ambry Variant Classification Scheme 2023. Collection method: clinical testing. Allele origin: germline.

Labcorp Genetics (formerly Invitae), Labcorp
Classification: Uncertain significance. Last evaluated: 2022-05-15. Review status: criteria provided, single submitter. Criteria: Invitae Variant Classification Sherloc (09022015). Collection method: clinical testing. Allele origin: germline.
Comment: In summary, the available evidence is currently insufficient to determine the role of this variant in disease. Therefore, it has been classified as a Variant of Uncertain Significance. Algorithms developed to predict the effect of missense changes on protein structure and function are either unavailable or do not agree on the potential impact of this missense change (SIFT: "Not Available"; PolyPhen-2: "Probably Damaging"; Align-GVGD: "Not Available"). This variant has not been reported in the literature in individuals affected with CEP250-related conditions. This variant is not present in population databases (gnomAD no frequency). This sequence change replaces leucine, which is neutral and non-polar, with proline, which is neutral and non-polar, at codon 554 of the CEP250 protein (p.Leu554Pro).

NM_007186.6(CEP250):c.1661T>C (p.Leu554Pro)

Genes: CEP250 (centrosomal protein 250; plus strand), CEP250-AS1 (CEP250 antisense RNA 1; minus strand). Cytogenetic location: 20q11.22.
Variant type: single nucleotide variant.
Coding change: c.1661T>C on transcript NM_007186.6 (MANE Select); coding-DNA position 1661, T replaced by C.
Protein change: p.Leu554Pro; replaces leucine 554 with proline.
Molecular consequence: missense variant. On other transcripts: 5 prime UTR variant (1).
Genome position (GRCh38, 1-based): chr20:35,475,591, T>C. VCF-style: chr20-35475591-T-C. GRCh37 (hg19) VCF-style: chr20-34063416-T-C.
Other names: c.-239T>C (NM_001318219.1); c.1661T>C (NM_007186.3); short protein forms L554P.
Identifiers: ClinVar variation 1912322 (VCV001912322.6), dbSNP rs999843777, ClinGen allele CA314154271.
Genomic context (GRCh38, chr20:35,475,591, plus strand): 5'-AACAGTCAGAATCACTCAGTGAACTGATCACTCTTCGGGAAGCCCTGGAGTCAAGTCACC[T>C]GGAAGGGGAGTTACTGAGGCAAGAGCAAACGGAAGTGACCGCAGCGCTGGCTAGGGTGCG-3'
Protein context (NP_009117.2, residues 544-564): TLREALESSH[Leu554Pro]EGELLRQEQT